The following is an entry in ClinVar:

ClinVar aggregate classification (germline): Uncertain significance (1 of 4 stars; one submission).

Allele frequency attached by ClinVar (database versions not stated): TOPMed below 0.00001; gnomAD exomes 0.00001.
gnomAD v4.1: 12 of 1,611,188 alleles (0.00074%); highest among the groups gnomAD compares: Non-Finnish European, 0.001%; no homozygotes.

Submission:

Labcorp Genetics (formerly Invitae), Labcorp
Classification: Uncertain significance. Last evaluated: 2022-09-06. Review status: criteria provided, single submitter. Criteria: Invitae Variant Classification Sherloc (09022015). Collection method: clinical testing. Allele origin: germline.
Comment: In summary, the available evidence is currently insufficient to determine the role of this variant in disease. Therefore, it has been classified as a Variant of Uncertain Significance. Algorithms developed to predict the effect of sequence changes on RNA splicing suggest that this variant may disrupt the consensus splice site. Advanced modeling of protein sequence and biophysical properties (such as structural, functional, and spatial information, amino acid conservation, physicochemical variation, residue mobility, and thermodynamic stability) performed at Invitae indicates that this missense variant is not expected to disrupt COL9A1 protein function. ClinVar contains an entry for this variant (Variation ID: 848212). This variant has not been reported in the literature in individuals affected with COL9A1-related conditions. This variant is not present in population databases (gnomAD no frequency). This sequence change replaces lysine, which is basic and polar, with arginine, which is basic and polar, at codon 26 of the COL9A1 protein (p.Lys26Arg).

NM_001851.6(COL9A1):c.77A>G (p.Lys26Arg)

Gene: COL9A1 (collagen type IX alpha 1 chain; minus strand). Cytogenetic location: 6q13.
Variant type: single nucleotide variant.
Coding change: c.77A>G on transcript NM_001851.6 (MANE Select); coding-DNA position 77, A replaced by G.
Protein change: p.Lys26Arg; replaces lysine 26 with arginine.
Molecular consequence: missense variant.
Genome position (GRCh38, 1-based): chr6:70,302,012, T>C on the plus strand (A>G on the coding strand, the complement: COL9A1 is on the minus strand). VCF-style: chr6-70302012-T-C. GRCh37 (hg19) VCF-style: chr6-71011715-T-C.
Other names: c.77A>G, p.Lys26Arg (NM_001377291.1); short protein forms K26R.
Identifiers: ClinVar variation 848212 (VCV000848212.9), dbSNP rs1774083146, ClinGen allele CA364675933.